The following is an entry in ClinVar:

ClinVar aggregate classification (germline): Uncertain significance (1 of 4 stars; one submission).

Conditions:
Congenital myasthenic syndrome 8. Also called: MYASTHENIC SYNDROME, CONGENITAL, DUE TO AGRIN DEFICIENCY; Myasthenic syndrome, congenital, 8, with pre- and postsynaptic defects. Identifiers: Orphanet 590, MedGen C3808739, MONDO:0014052, OMIM 615120.

Submission:

Labcorp Genetics (formerly Invitae), Labcorp
Classification: Uncertain significance for Congenital myasthenic syndrome 8. Last evaluated: 2022-03-16. Review status: criteria provided, single submitter. Criteria: Invitae Variant Classification Sherloc (09022015). Collection method: clinical testing. Allele origin: germline.
Comment: Algorithms developed to predict the effect of missense changes on protein structure and function are either unavailable or do not agree on the potential impact of this missense change (SIFT: "Tolerated"; PolyPhen-2: "Probably Damaging"; Align-GVGD: "Class C0"). In summary, the available evidence is currently insufficient to determine the role of this variant in disease. Therefore, it has been classified as a Variant of Uncertain Significance. This variant has not been reported in the literature in individuals affected with AGRN-related conditions. This sequence change replaces glycine, which is neutral and non-polar, with arginine, which is basic and polar, at codon 1570 of the AGRN protein (p.Gly1570Arg). This variant is not present in population databases (gnomAD no frequency).

NM_198576.4(AGRN):c.4708G>A (p.Gly1570Arg)

Gene: AGRN (agrin; plus strand). Cytogenetic location: 1p36.33.
Variant type: single nucleotide variant.
Coding change: c.4708G>A on transcript NM_198576.4 (MANE Select); coding-DNA position 4708, G replaced by A.
Protein change: p.Gly1570Arg; replaces glycine 1570 with arginine.
Molecular consequence: missense variant.
Genome position (GRCh38, 1-based): chr1:1,049,759, G>A. VCF-style: chr1-1049759-G-A. GRCh37 (hg19) VCF-style: chr1-985139-G-A.
Other names: c.4708G>A, p.Gly1570Arg (NM_001305275.2); c.4393G>A, p.Gly1465Arg (NM_001364727.2); short protein forms G1465R, G1570R.
Identifiers: ClinVar variation 2110434 (VCV002110434.4), dbSNP rs2522776200, ClinGen allele CA337779143.